The following is an entry in ClinVar:

NM_032638.5(GATA2):c.800C>G (p.Pro267Arg)

Gene: GATA2 (GATA binding protein 2; minus strand). Cytogenetic location: 3q21.3.
Variant type: single nucleotide variant.
Coding change: c.800C>G on transcript NM_032638.5 (MANE Select); coding-DNA position 800, C replaced by G.
Protein change: p.Pro267Arg; replaces proline 267 with arginine.
Molecular consequence: missense variant.
Genome position (GRCh38, 1-based): chr3:128,485,798, G>C on the plus strand (C>G on the coding strand, the complement: GATA2 is on the minus strand). VCF-style: chr3-128485798-G-C. GRCh37 (hg19) VCF-style: chr3-128204641-G-C.
Other names: c.800C>G, p.Pro267Arg (NM_001145661.2, NM_001145662.1); short protein forms P267R.
Identifiers: ClinVar variation 941845 (VCV000941845.10), dbSNP rs886057930, ClinGen allele CA354405874.

ClinVar aggregate classification (germline): Uncertain significance. Review status: criteria provided, multiple submitters, no conflicts (2 of 4 stars). 2 submissions from 2 submitters: Uncertain significance (2). Last evaluated 2025-04-28.

Conditions:
Monocytopenia with susceptibility to infections. Also called: IMMUNODEFICIENCY 21; GATA2 DEFICIENCY; MONOCYTOPENIA AND MYCOBACTERIAL INFECTION SYNDROME; MONOCYTOPENIA WITH SUSCEPTIBILITY TO MYCOBACTERIAL, FUNGAL, AND PAPILLOMAVIRUS INFECTIONS AND MYELODYSPLASIA; COMBINED IMMUNODEFICIENCY WITH SUSCEPTIBILITY TO MYCOBACTERIAL, VIRAL, AND FUNGAL INFECTIONS; Dendritic cell, monocyte, B lymphocyte, and natural killer lymphocyte deficiency. Identifiers: Orphanet 228423, MedGen C3280030, MONDO:0013607, OMIM 614172.
Deafness-lymphedema-leukemia syndrome. Also called: Emberger syndrome; Lymphedema, primary, with myelodysplasia. Identifiers: Orphanet 3226, MedGen C3279664, MONDO:0013540, OMIM 614038.
Inborn genetic diseases. Identifiers: MedGen C0950123, MeSH D030342.

Allele frequency attached by ClinVar (database versions not stated): gnomAD exomes below 0.00001.
gnomAD v4.1: 2 of 1,614,044 alleles (0.00012%); highest among the groups gnomAD compares: Non-Finnish European, 0.00017%; no homozygotes.

Submissions (2):

Labcorp Genetics (formerly Invitae), Labcorp
Classification: Uncertain significance for Monocytopenia with susceptibility to infections; Deafness-lymphedema-leukemia syndrome. Last evaluated: 2025-04-28. Review status: criteria provided, single submitter. Criteria: Invitae Variant Classification Sherloc (09022015). Collection method: clinical testing. Allele origin: germline.
Comment: This sequence change replaces proline, which is neutral and non-polar, with arginine, which is basic and polar, at codon 267 of the GATA2 protein (p.Pro267Arg). This variant is not present in population databases (gnomAD no frequency). This variant has not been reported in the literature in individuals affected with GATA2-related conditions. ClinVar contains an entry for this variant (Variation ID: 941845). Invitae Evidence Modeling of protein sequence and biophysical properties (such as structural, functional, and spatial information, amino acid conservation, physicochemical variation, residue mobility, and thermodynamic stability) has been performed for this missense variant. However, the output from this modeling did not meet the statistical confidence thresholds required to predict the impact of this variant on GATA2 protein function. In summary, the available evidence is currently insufficient to determine the role of this variant in disease. Therefore, it has been classified as a Variant of Uncertain Significance.

Ambry Genetics
Classification: Uncertain significance for Inborn genetic diseases. Last evaluated: 2025-01-21. Review status: criteria provided, single submitter. Criteria: Ambry Variant Classification Scheme 2023. Collection method: clinical testing. Allele origin: germline.
Comment: The p.P267R variant (also known as c.800C>G), located in coding exon 2 of the GATA2 gene, results from a C to G substitution at nucleotide position 800. The proline at codon 267 is replaced by arginine, an amino acid with dissimilar properties. This amino acid position is conserved. In addition, this alteration is predicted to be deleterious by in silico analysis. Based on the available evidence, the clinical significance of this variant remains unclear.